The following is an entry in ClinVar:

NM_001365276.2(TNXB):c.4028_4029del (p.Val1343fs)

Gene: TNXB (tenascin XB; minus strand). Cytogenetic location: 6p21.33.
Variant type: Microsatellite.
Coding change: c.4028_4029del on transcript NM_001365276.2 (MANE Select); coding-DNA positions 4028 to 4029, 2 bases deleted (TG; older notation c.4028_4029delTG).
Protein change: p.Val1343fs; shifts the reading frame from valine 1343.
Molecular consequence: frameshift variant.
Genome position (GRCh38, 1-based): chr6:32,081,381-32,081,382, CA deleted on the plus strand (TG on the coding strand, the reverse complement: TNXB is on the minus strand); deleting any 2 consecutive bases within chr6:32,081,381-32,081,384 gives the same sequence; the c. name uses the placement nearest the transcript's 3' end. VCF-style (leftmost placement, unchanged base first): chr6-32081380-CCA-C. GRCh37 (hg19) VCF-style: chr6-32049157-CCA-C.
Other names: c.4769_4770del, p.Val1590fs (NM_001428335.1); c.4028_4029del, p.Val1343fs (NM_019105.8); short protein forms V1343fs, V1590fs.
Identifiers: ClinVar variation 5007029 (VCV005007029.2).

ClinVar aggregate classification (germline): Likely pathogenic (1 of 4 stars; one submission).

Conditions:
Ehlers-Danlos syndrome due to tenascin-X deficiency (EDSCLL1). Also called: EHLERS-DANLOS SYNDROME, CLASSIC-LIKE; Ehlers-Danlos syndrome, classic-like, 1; TNX DEFICIENCY; TNXB-Related Classical-Like Ehlers-Danlos Syndrome; EDS DUE TO TNX DEFICIENCY. Identifiers: Orphanet 230839, MedGen C1848029, MONDO:0011670, OMIM 606408.

Submission:

Juno Genomics, Hangzhou Juno Genomics, Inc
Classification: Likely pathogenic for Ehlers-Danlos syndrome due to tenascin-X deficiency. Review status: criteria provided, single submitter. Criteria: ACMG Guidelines, 2015. Collection method: clinical testing. Allele origin: germline.
Comment: Null variant in a gene where loss of function (LOF) is a known mechanism of disease.;Absent from controls (or at extremely low frequency if recessive) in Genome Aggregation Database.